The following is an entry in ClinVar:

NM_000038.6(APC):c.4863A>G (p.Gln1621=)

Gene: APC (APC regulator of Wnt signaling pathway; plus strand). Cytogenetic location: 5q22.2.
Variant type: single nucleotide variant.
Coding change: c.4863A>G on transcript NM_000038.6 (MANE Select); coding-DNA position 4863, A replaced by G.
Protein change: p.Gln1621=; no amino-acid change (glutamine 1621 retained).
Molecular consequence: synonymous variant.
Genome position (GRCh38, 1-based): chr5:112,840,457, A>G. VCF-style: chr5-112840457-A-G. GRCh37 (hg19) VCF-style: chr5-112176154-A-G.
Other names: c.4917A>G, p.Gln1639= (NM_001354896.2); c.4863A>G, p.Gln1621= (NM_001127510.3, NM_001354895.2); c.4809A>G, p.Gln1603= (NM_001127511.3); c.4893A>G, p.Gln1631= (NM_001354897.2); c.4788A>G, p.Gln1596= (NM_001354898.2); c.4779A>G, p.Gln1593= (NM_001354899.2); c.4740A>G, p.Gln1580= (NM_001354900.2); c.4686A>G, p.Gln1562= (NM_001354901.2); and 5 more.
Identifiers: ClinVar variation 629959 (VCV000629959.14), dbSNP rs1561595977, ClinGen allele CA446208096.

ClinVar aggregate classification (germline): Benign/Likely benign. Review status: criteria provided, multiple submitters, no conflicts (2 of 4 stars). 4 submissions from 4 submitters: Benign (1); Likely benign (3). Last evaluated 2024-05-10.

Conditions:
Hereditary cancer-predisposing syndrome. Also called: Neoplastic Syndromes, Hereditary; Tumor predisposition; Hereditary neoplastic syndrome; Hereditary Cancer Syndrome. Identifiers: Orphanet 140162, MedGen C0027672, MeSH D009386, MONDO:0015356.
Familial adenomatous polyposis 1 (FAP1). Also called: POLYPOSIS, ADENOMATOUS INTESTINAL; FAMILIAL ADENOMATOUS POLYPOSIS 1, ATTENUATED. Identifiers: MedGen C2713442, MONDO:0021056, OMIM 175100. Disease mechanism: loss of function.

Submissions (4):

Labcorp Genetics (formerly Invitae), Labcorp
Classification: Likely benign for Familial adenomatous polyposis 1. Last evaluated: 2024-05-10. Review status: criteria provided, single submitter. Criteria: Invitae Variant Classification Sherloc (09022015). Collection method: clinical testing. Allele origin: germline.

Myriad Genetics, Inc.
Classification: Benign for Familial adenomatous polyposis 1. Last evaluated: 2024-03-28. Review status: criteria provided, single submitter. Criteria: Myriad Autosomal Dominant, Autosomal Recessive and X-Linked Classification Criteria (2023). Collection method: clinical testing. Allele origin: unknown.
Comment: This variant is considered benign. This variant is a silent/synonymous amino acid change and it is not expected to impact splicing.

Ambry Genetics
Classification: Likely benign for Hereditary cancer-predisposing syndrome. Last evaluated: 2024-03-02. Review status: criteria provided, single submitter. Criteria: Ambry Variant Classification Scheme 2023. Collection method: clinical testing. Allele origin: germline.

Color Diagnostics, LLC DBA Color Health
Classification: Likely benign for Hereditary cancer-predisposing syndrome. Last evaluated: 2018-04-11. Review status: criteria provided, single submitter. Criteria: ACMG Guidelines, 2015. Collection method: clinical testing. Allele origin: germline.